The following is an entry in ClinVar:

ClinVar aggregate classification (germline): Uncertain significance. Review status: criteria provided, multiple submitters, no conflicts (2 of 4 stars). 7 submissions from 7 submitters: Uncertain significance (7). Last evaluated 2025-01-28.

Conditions:
Inborn genetic diseases. Identifiers: MedGen C0950123, MeSH D030342.
Central core myopathy (CMYO1A). Also called: CONGENITAL MYOPATHY 1A, AUTOSOMAL DOMINANT, WITH SUSCEPTIBILITY TO MALIGNANT HYPERTHERMIA; Central core disease; Myopathy, central fibrillar. Identifiers: Orphanet 597, MedGen C5830701, MONDO:0007294, OMIM 117000.
Congenital myopathy with fiber type disproportion. Also called: Congenital fiber-type disproportion myopathy; Congenital fiber-type disproportion. Identifiers: Orphanet 2020, MedGen C0546264, MONDO:0009711. Inheritance: all.
King Denborough syndrome (KDS). Identifiers: MedGen C1840365, MONDO:0020485, OMIM 619542.
Malignant hyperthermia, susceptibility to, 1 (MHS1). Also called: RYR1-Related Malignant Hyperthermia Susceptibility; Anesthesia related hyperthermia; Malignant hyperpyrexia; Fulminating hyperpyrexia; Pharmacogenic myopathy; Malignant hyperthermia suceptibility 1. Identifiers: Orphanet 423, MedGen C2930980, MONDO:0007783, OMIM 145600.
Congenital multicore myopathy with external ophthalmoplegia (CMYO1B). Also called: Congenital myopathy 1B, autosomal recessive; Minicore myopathy; MULTIMINICORE DISEASE WITH EXTERNAL OPHTHALMOPLEGIA; Minicore myopathy with external ophthalmoplegia; MULTICORE MYOPATHY. Identifiers: Orphanet 598, Orphanet 98905, MedGen C1850674, MONDO:0009712, OMIM 255320, HP:0003789.
RYR1-related disorder. Also called: RYR1-related condition; RYR1-related disorders. Identifiers: MedGen CN239331.

Allele frequency attached by ClinVar (database versions not stated): gnomAD exomes 0.00003; TOPMed 0.00005; ExAC 0.00007; gnomAD 0.00007 and 0.00009; ESP Exome Variant Server 0.00008.
gnomAD v4.1: 86 of 1,606,030 alleles (0.0054%); highest among the groups gnomAD compares: African/African-American, 0.0094%; no homozygotes.

Submissions (7):

GeneDx
Classification: Uncertain significance. Last evaluated: 2025-01-28. Review status: criteria provided, single submitter. Criteria: GeneDx Variant Classification Process June 2021. Collection method: clinical testing. Allele origin: germline. Affected: yes.
Comment: Not observed at significant frequency in large population cohorts (gnomAD); In silico analysis indicates that this missense variant does not alter protein structure/function; Has not been previously published as pathogenic or benign to our knowledge

All of Us Research Program, National Institutes of Health
Classification: Uncertain significance for Malignant hyperthermia, susceptibility to, 1. Last evaluated: 2024-09-23. Review status: criteria provided, single submitter. Criteria: ACMG Guidelines, 2015. Collection method: clinical testing. Allele origin: germline. Inheritance: Autosomal dominant inheritance. Observed: 19 variant alleles, 19 heterozygotes.
Comment: This missense variant replaces glutamic acid with lysine at codon 4494 of the RYR1 protein. Computational prediction suggests that this variant may not impact protein structure and function (internally defined REVEL score threshold <= 0.5, PMID: 27666373). To our knowledge, functional studies have not been reported for this variant. This variant has not been reported in individuals affected with malignant hyperthermia in the literature. This variant has been identified in 9/265396 chromosomes in the general population by the Genome Aggregation Database (gnomAD). The available evidence is insufficient to determine the role of this variant in disease conclusively. Therefore, this variant is classified as a Variant of Uncertain Significance.

This study involves interpretation of variants in research participants for the purpose of population health screening. Participant phenotype was not available at the time of variant classification. Additional details can be found in publication PMID: 35346344, PMCID: PMC8962531

Color Diagnostics, LLC DBA Color Health
Classification: Uncertain significance for Malignant hyperthermia, susceptibility to, 1. Last evaluated: 2024-03-07. Review status: criteria provided, single submitter. Criteria: ACMG Guidelines, 2015. Collection method: clinical testing. Allele origin: germline.
Comment: This missense variant replaces glutamic acid with lysine at codon 4494 of the RYR1 protein. Computational prediction suggests that this variant may not impact protein structure and function (internally defined REVEL score threshold <= 0.5, PMID: 27666373). To our knowledge, functional studies have not been reported for this variant. This variant has not been reported in individuals affected with malignant hyperthermia in the literature. This variant has been identified in 9/265396 chromosomes in the general population by the Genome Aggregation Database (gnomAD). The available evidence is insufficient to determine the role of this variant in disease conclusively. Therefore, this variant is classified as a Variant of Uncertain Significance.

Ambry Genetics
Classification: Uncertain significance for Inborn genetic diseases. Last evaluated: 2023-10-05. Review status: criteria provided, single submitter. Criteria: Ambry Variant Classification Scheme 2023. Collection method: clinical testing. Allele origin: germline.

Revvity Omics, Revvity
Classification: Uncertain significance. Last evaluated: 2022-05-11. Review status: criteria provided, single submitter. Criteria: ACMG Guidelines, 2015. Collection method: clinical testing. Allele origin: germline.

Labcorp Genetics (formerly Invitae), Labcorp
Classification: Uncertain significance for RYR1-related disorder. Last evaluated: 2022-03-15. Review status: criteria provided, single submitter. Criteria: Invitae Variant Classification Sherloc (09022015). Collection method: clinical testing. Allele origin: germline.
Comment: This sequence change replaces glutamic acid, which is acidic and polar, with lysine, which is basic and polar, at codon 4494 of the RYR1 protein (p.Glu4494Lys). This variant is present in population databases (rs143849895, gnomAD 0.004%). This variant has not been reported in the literature in individuals affected with RYR1-related conditions. ClinVar contains an entry for this variant (Variation ID: 565982). Advanced modeling of protein sequence and biophysical properties (such as structural, functional, and spatial information, amino acid conservation, physicochemical variation, residue mobility, and thermodynamic stability) performed at Invitae indicates that this missense variant is not expected to disrupt RYR1 protein function. In summary, the available evidence is currently insufficient to determine the role of this variant in disease. Therefore, it has been classified as a Variant of Uncertain Significance.

Fulgent Genetics
Classification: Uncertain significance for Central core myopathy; Malignant hyperthermia, susceptibility to, 1; Congenital myopathy 4A, autosomal dominant; Congenital multicore myopathy with external ophthalmoplegia; King Denborough syndrome. Last evaluated: 2021-10-13. Review status: criteria provided, single submitter. Criteria: ACMG Guidelines, 2015. Collection method: clinical testing. Allele origin: unknown.

NM_000540.3(RYR1):c.13480G>A (p.Glu4494Lys)

Gene: RYR1 (ryanodine receptor 1; plus strand). Cytogenetic location: 19q13.2.
Variant type: single nucleotide variant.
Coding change: c.13480G>A on transcript NM_000540.3 (MANE Select); coding-DNA position 13480, G replaced by A.
Protein change: p.Glu4494Lys; replaces glutamic acid 4494 with lysine.
Molecular consequence: missense variant.
Genome position (GRCh38, 1-based): chr19:38,566,953, G>A. VCF-style: chr19-38566953-G-A. GRCh37 (hg19) VCF-style: chr19-39057593-G-A.
Other names: c.13465G>A, p.Glu4489Lys (NM_001042723.2); short protein forms E4494K, E4489K.
Identifiers: ClinVar variation 565982 (VCV000565982.15), dbSNP rs143849895, ClinGen allele CA059913.